The following is an entry in ClinVar:

NM_005859.5(PURA):c.793G>A (p.Ala265Thr)

Gene: PURA (purine rich element binding protein A; plus strand). Cytogenetic location: 5q31.3.
Variant type: single nucleotide variant.
Coding change: c.793G>A on transcript NM_005859.5 (MANE Select); coding-DNA position 793, G replaced by A.
Protein change: p.Ala265Thr; replaces alanine 265 with threonine.
Molecular consequence: missense variant.
Genome position (GRCh38, 1-based): chr5:140,114,974, G>A. VCF-style: chr5-140114974-G-A. GRCh37 (hg19) VCF-style: chr5-139494559-G-A.
Other names: short protein forms A265T.
Identifiers: ClinVar variation 2573853 (VCV002573853.1), dbSNP rs2479506204, ClinGen allele CA361491553.

ClinVar aggregate classification (germline): Uncertain significance (1 of 4 stars; one submission).

Submission:

GeneDx
Classification: Uncertain significance. Last evaluated: 2023-01-22. Review status: criteria provided, single submitter. Criteria: GeneDx Variant Classification Process June 2021. Collection method: clinical testing. Allele origin: germline. Affected: yes.
Comment: Not observed at significant frequency in large population cohorts (gnomAD); In silico analysis supports that this missense variant does not alter protein structure/function; Has not been previously published as pathogenic or benign to our knowledge